The following is an entry in ClinVar:

NM_012186.3(FOXE3):c.415C>G (p.Pro139Ala)

Genes: FOXE3 (forkhead box E3; plus strand), LINC01389 (long independently transcribed non-coding RNA 1389; minus strand). Cytogenetic location: 1p33.
Variant type: single nucleotide variant.
Coding change: c.415C>G on transcript NM_012186.3 (MANE Select); coding-DNA position 415, C replaced by G.
Protein change: p.Pro139Ala; replaces proline 139 with alanine.
Molecular consequence: missense variant.
Genome position (GRCh38, 1-based): chr1:47,416,730, C>G. VCF-style: chr1-47416730-C-G. GRCh37 (hg19) VCF-style: chr1-47882402-C-G.
Other names: short protein forms P139A.
Identifiers: ClinVar variation 935933 (VCV000935933.12), dbSNP rs768612848, ClinGen allele CA842962.

ClinVar aggregate classification (germline): Uncertain significance. Review status: criteria provided, multiple submitters, no conflicts (2 of 4 stars). 3 submissions from 3 submitters: Uncertain significance (3). Last evaluated 2026-02-01.

Conditions:
Cardiovascular phenotype. Identifiers: MedGen CN230736.
FOXE3-related disorder. Also called: FOXE3-related condition.
Congenital primary aphakia. Also called: Anterior segment dysgenesis 2, multiple subtypes; ANTERIOR SEGMENT DYSGENESIS 2. Identifiers: Orphanet 83461, MedGen C1853230, MONDO:0012456, OMIM 610256.
Anterior segment dysgenesis. Also called: Ocular anterior segment dysgenesis. Identifiers: Orphanet 88632, MedGen C1862839, MONDO:0019503, HP:0007700.

Allele frequency attached by ClinVar (database versions not stated): gnomAD 0.00002; gnomAD exomes 0.00007 and 0.00014; TOPMed 0.00008; ExAC 0.00013.

Submissions (3):

Labcorp Genetics (formerly Invitae), Labcorp
Classification: Uncertain significance for Anterior segment dysgenesis; Congenital primary aphakia. Last evaluated: 2026-02-01. Review status: criteria provided, single submitter. Criteria: Invitae Variant Classification Sherloc (09022015). Collection method: clinical testing. Allele origin: germline.
Comment: This sequence change replaces proline, which is neutral and non-polar, with alanine, which is neutral and non-polar, at codon 139 of the FOXE3 protein (p.Pro139Ala). This variant is present in population databases (rs768612848, gnomAD 0.1%). This variant has not been reported in the literature in individuals affected with FOXE3-related conditions. ClinVar contains an entry for this variant (Variation ID: 935933). Invitae Evidence Modeling of protein sequence and biophysical properties (such as structural, functional, and spatial information, amino acid conservation, physicochemical variation, residue mobility, and thermodynamic stability) indicates that this missense variant is expected to disrupt FOXE3 protein function with a positive predictive value of 80%. In summary, the available evidence is currently insufficient to determine the role of this variant in disease. Therefore, it has been classified as a Variant of Uncertain Significance.

Ambry Genetics
Classification: Uncertain significance for Cardiovascular phenotype. Last evaluated: 2024-09-20. Review status: criteria provided, single submitter. Criteria: Ambry Variant Classification Scheme 2023. Collection method: clinical testing. Allele origin: germline.
Comment: The p.P139A variant (also known as c.415C>G), located in coding exon 1 of the FOXE3 gene, results from a C to G substitution at nucleotide position 415. The proline at codon 139 is replaced by alanine, an amino acid with highly similar properties. This amino acid position is highly conserved in available vertebrate species. In addition, the in silico prediction for this alteration is inconclusive. Since supporting evidence is limited at this time, the clinical significance of this alteration remains unclear.

PreventionGenetics, part of Exact Sciences
Classification: Uncertain significance for FOXE3-related condition. Last evaluated: 2023-05-04. Review status: criteria provided, single submitter. Criteria: ACMG Guidelines, 2015. Collection method: clinical testing. Allele origin: germline.
Comment: The FOXE3 c.415C>G variant is predicted to result in the amino acid substitution p.Pro139Ala. To our knowledge, this variant has not been reported in the literature. This variant is reported in 0.10% of alleles in individuals of Latino descent in gnomAD. At this time, the clinical significance of this variant is uncertain due to the absence of conclusive functional and genetic evidence.